The following is an entry in ClinVar:

ClinVar aggregate classification (germline): Benign. Review status: criteria provided, multiple submitters, no conflicts (2 of 4 stars). 2 submissions from 2 submitters: Benign (2). Last evaluated 2018-06-14.

Allele frequency attached by ClinVar (database versions not stated): gnomAD 0.27910 and 0.27498; 1000 Genomes Project 0.21585; 1000 Genomes Project 30x 0.22002; TOPMed 0.26942.

Submissions (2):

GeneDx
Classification: Benign. Last evaluated: 2018-06-14. Review status: criteria provided, single submitter. Criteria: GeneDx Variant Classification (06012015). Collection method: clinical testing. Allele origin: germline. Affected: yes.
Comment: This variant is considered likely benign or benign based on one or more of the following criteria: it is a conservative change, it occurs at a poorly conserved position in the protein, it is predicted to be benign by multiple in silico algorithms, and/or has population frequency not consistent with disease.

Breakthrough Genomics
Classification: Benign. Review status: criteria provided, single submitter. Criteria: ACMG Guidelines, 2015. Collection method: not provided. Allele origin: germline. Inheritance: Autosomal recessive inheritance. Affected: yes.

NM_018127.7(ELAC2):c.679+185C>G

Gene: ELAC2 (elaC ribonuclease Z 2; minus strand). Cytogenetic location: 17p12.
Variant type: single nucleotide variant.
Coding change: c.679+185C>G on transcript NM_018127.7 (MANE Select); 185 bases into the intron after coding-DNA position 679, C replaced by G.
Molecular consequence: intron variant.
Genome position (GRCh38, 1-based): chr17:13,011,478, G>C on the plus strand (C>G on the coding strand, the complement: ELAC2 is on the minus strand). VCF-style: chr17-13011478-G-C. GRCh37 (hg19) VCF-style: chr17-12914795-G-C.
Other names: c.560-807C>G (NM_001165962.2); c.679+185C>G (NM_173717.2).
Identifiers: ClinVar variation 674690 (VCV000674690.2), dbSNP rs73300518, ClinGen allele CA14486165.
Genomic context (GRCh38, chr17:13,011,478, plus strand): 5'-AGTTTTGGGCCTACCCAGACCCTGGGTGGCCAAAACTGTGGACTGGTCATTATTAAAGTT[G>C]CAGGCTGCCACCTTTACAACAACCCTTCTCATTCCCCCAACGGGCCAAGTTATAGTAAGC-3'